The following is an entry in ClinVar:

ClinVar aggregate classification (germline): Pathogenic/Likely pathogenic. Review status: criteria provided, multiple submitters, no conflicts (2 of 4 stars). 4 submissions from 4 submitters: Pathogenic (1); Likely pathogenic (2). 1 of the submissions does not count toward it. Last evaluated 2024-01-16.

Conditions:
Alport syndrome. Also called: Hemorrhagic familial nephritis; Hemorrhagic hereditary nephritis; Congenital hereditary hematuria. Identifiers: Orphanet 63, MedGen C1567741, MONDO:0018965.
COL4A5-related disorders.
X-linked Alport syndrome (ATS1). Also called: COL4A5-Related Nephropathy; NEPHROPATHY AND DEAFNESS, X-LINKED. Identifiers: Orphanet 63, Orphanet 88917, MedGen C4746986, MONDO:0010520, OMIM 301050.

Submissions (4):

Fulgent Genetics
Classification: Likely pathogenic for X-linked Alport syndrome. Last evaluated: 2024-01-16. Review status: criteria provided, single submitter. Criteria: ACMG Guidelines, 2015. Collection method: clinical testing. Allele origin: germline.

Blueprint Genetics
Classification: Likely pathogenic for COL4A5-related disorders. Last evaluated: 2023-05-09. Review status: criteria provided, single submitter. Criteria: ACMG Guidelines, 2015. Collection method: clinical testing. Allele origin: germline. Affected: yes. Observed: 1 variant allele.

Clinical Genetics Service, Universitary Hospital 12 de Octubre
Classification: Pathogenic for X-linked Alport syndrome. Review status: criteria provided, single submitter. Criteria: ACMG Guidelines, 2015. Collection method: clinical testing. Allele origin: germline. Affected: yes.

Sydney Genome Diagnostics, Children's Hospital Westmead
Classification: Likely pathogenic for Alport syndrome. Last evaluated: 2019-10-24. Review status: no assertion criteria provided. Collection method: clinical testing. Allele origin: unknown. Affected: yes. Observed: 1 variant allele, 1 heterozygote. Not counted in ClinVar's aggregate classification.
Comment: The variant has not been reported in any population databases (i.e. gnomAD, ExAC, ESP or dbSNP). To our knowledge, this variant has not been previously reported in the literature or any disease specific databases. In silico analysis of pathogenicity (through Alamut Visual v2.8.1) using PolyPhen2, SIFT and MutationTaster all suggest that this variant is likely to be pathogenic. This variant results in substitution of one of the invariant glycine residues within the triple helical domain of the alpha 5 chain of type 4 collagen. This variant is considered to be likely pathogenic according to the ACMG guidelines (Evidence used: PM1_Strong, PM2, PP3).

NM_033380.3(COL4A5):c.2129G>A (p.Gly710Glu)

Gene: COL4A5 (collagen type IV alpha 5 chain; plus strand). Cytogenetic location: Xq22.3.
Variant type: single nucleotide variant.
Coding change: c.2129G>A on transcript NM_033380.3 (MANE Select); coding-DNA position 2129, G replaced by A.
Protein change: p.Gly710Glu; replaces glycine 710 with glutamic acid.
Molecular consequence: missense variant.
Genome position (GRCh38, 1-based): chrX:108,601,972, G>A. VCF-style: chrX-108601972-G-A. GRCh37 (hg19) VCF-style: chrX-107845202-G-A.
Other names: c.2129G>A, p.Gly710Glu (NM_000495.5); short protein forms G710E.
Identifiers: ClinVar variation 988156 (VCV000988156.4), dbSNP rs2066640120, ClinGen allele CA413847070.